The following is an entry in ClinVar:

NM_014000.3(VCL):c.1240G>A (p.Glu414Lys)

Gene: VCL (vinculin; plus strand). Cytogenetic location: 10q22.2.
Variant type: single nucleotide variant.
Coding change: c.1240G>A on transcript NM_014000.3 (MANE Select); coding-DNA position 1240, G replaced by A.
Protein change: p.Glu414Lys; replaces glutamic acid 414 with lysine.
Molecular consequence: missense variant.
Genome position (GRCh38, 1-based): chr10:74,090,086, G>A. VCF-style: chr10-74090086-G-A. GRCh37 (hg19) VCF-style: chr10-75849844-G-A.
Other names: c.1240G>A, p.Glu414Lys (NM_003373.4); short protein forms E414K.
Identifiers: ClinVar variation 1721773 (VCV001721773.5), dbSNP rs2549223308, ClinGen allele CA377273192.
Genomic context (GRCh38, chr10:74,090,086, plus strand): 5'-TGGCTTGCAGATCCAAATGGTGGACCGGAAGGAGAAGAGCAGATTCGAGGTGCTTTGGCT[G>A]AAGCTCGGAAAATAGCAGAATTATGTGATGATCCTAAAGAAAGAGATGACATTCTACGTT-3'
Protein context (NP_054706.1, residues 404-424): GEEQIRGALA[Glu414Lys]ARKIAELCDD

ClinVar aggregate classification (germline): Uncertain significance (1 of 4 stars; one submission).

Conditions:
Dilated cardiomyopathy 1W (CMD1W). Identifiers: Orphanet 154, MedGen C1969639, MONDO:0012667, OMIM 611407.

Allele frequency attached by ClinVar (database versions not stated): gnomAD exomes below 0.00001.
gnomAD v4.1: 1 of 1,614,176 alleles (0.000062%); highest among the groups gnomAD compares: South Asian, 0.0011%; no homozygotes.

Submission:

Labcorp Genetics (formerly Invitae), Labcorp
Classification: Uncertain significance for Dilated cardiomyopathy 1W. Last evaluated: 2022-10-17. Review status: criteria provided, single submitter. Criteria: Invitae Variant Classification Sherloc (09022015). Collection method: clinical testing. Allele origin: germline.
Comment: This variant has not been reported in the literature in individuals affected with VCL-related conditions. In summary, the available evidence is currently insufficient to determine the role of this variant in disease. Therefore, it has been classified as a Variant of Uncertain Significance. Algorithms developed to predict the effect of missense changes on protein structure and function are either unavailable or do not agree on the potential impact of this missense change (SIFT: "Not Available"; PolyPhen-2: "Benign"; Align-GVGD: "Not Available"). This variant is not present in population databases (gnomAD no frequency). This sequence change replaces glutamic acid, which is acidic and polar, with lysine, which is basic and polar, at codon 414 of the VCL protein (p.Glu414Lys).